The following is an entry in ClinVar:

NM_006618.5(KDM5B):c.4145G>A (p.Arg1382Gln)

Gene: KDM5B (lysine demethylase 5B; minus strand). Cytogenetic location: 1q32.1.
Variant type: single nucleotide variant.
Coding change: c.4145G>A on transcript NM_006618.5 (MANE Select); coding-DNA position 4145, G replaced by A.
Protein change: p.Arg1382Gln; replaces arginine 1382 with glutamine.
Molecular consequence: missense variant.
Genome position (GRCh38, 1-based): chr1:202,730,940, C>T on the plus strand (G>A on the coding strand, the complement: KDM5B is on the minus strand). VCF-style: chr1-202730940-C-T. GRCh37 (hg19) VCF-style: chr1-202700068-C-T.
Other names: c.4253G>A, p.Arg1418Gln (NM_001314042.2); c.4010G>A, p.Arg1337Gln (NM_001347591.2); c.4130G>A, p.Arg1377Gln (NM_001399817.1); short protein forms R1382Q, R1418Q, R1337Q, R1377Q.
Identifiers: ClinVar variation 585147 (VCV000585147.42), dbSNP rs34216958, ClinGen allele CA1334026.

ClinVar aggregate classification (germline): Benign/Likely benign. Review status: criteria provided, multiple submitters, no conflicts (2 of 4 stars). 3 submissions from 3 submitters: Benign (1); Likely benign (1). 1 of the submissions does not count toward it. Last evaluated 2026-08-01.

Conditions:
KDM5B-related disorder. Also called: KDM5B-related condition.

Allele frequency attached by ClinVar (database versions not stated): 1000 Genomes Project 0.00140; 1000 Genomes Project 30x 0.00156; gnomAD exomes 0.00364 and 0.00623; ExAC 0.00371; TOPMed 0.00382; ESP Exome Variant Server 0.00384; gnomAD 0.00403 and 0.00411.

Submissions (3):

CeGaT Center for Human Genetics Tuebingen
Classification: Likely benign. Last evaluated: 2026-08-01. Review status: criteria provided, single submitter. Criteria: CeGaT Center For Human Genetics Tuebingen Variant Classification Criteria Version 2. Collection method: clinical testing. Allele origin: germline. Affected: yes. Observed: 29 variant alleles.
Comment: KDM5B: BP4, BS2

Labcorp Genetics (formerly Invitae), Labcorp
Classification: Benign. Last evaluated: 2019-12-31. Review status: criteria provided, single submitter. Criteria: Invitae Variant Classification Sherloc (09022015). Collection method: clinical testing. Allele origin: germline.

PreventionGenetics, part of Exact Sciences
Classification: Likely benign for KDM5B-related condition. Last evaluated: 2019-07-15. Review status: no assertion criteria provided. Collection method: clinical testing. Allele origin: germline. Not counted in ClinVar's aggregate classification.
Comment: This variant is classified as likely benign based on ACMG/AMP sequence variant interpretation guidelines (Richards et al. 2015 PMID: 25741868, with internal and published modifications).